The following is an entry in ClinVar:

NM_000088.4(COL1A1):c.228C>G (p.Asp76Glu)

Gene: COL1A1 (collagen type I alpha 1 chain; minus strand). Cytogenetic location: 17q21.33.
Variant type: single nucleotide variant.
Coding change: c.228C>G on transcript NM_000088.4 (MANE Select); coding-DNA position 228, C replaced by G.
Protein change: p.Asp76Glu; replaces aspartic acid 76 with glutamic acid.
Molecular consequence: missense variant.
Genome position (GRCh38, 1-based): chr17:50,199,823, G>C on the plus strand (C>G on the coding strand, the complement: COL1A1 is on the minus strand). VCF-style: chr17-50199823-G-C. GRCh37 (hg19) VCF-style: chr17-48277184-G-C.
Other names: short protein forms D76E.
Identifiers: ClinVar variation 456749 (VCV000456749.1), dbSNP rs1314366641, ClinGen allele CA400228231.

ClinVar aggregate classification (germline): Uncertain significance (1 of 4 stars; one submission).

Conditions:
Osteogenesis imperfecta type I (OI1). Also called: OI, TYPE I; OSTEOGENESIS IMPERFECTA TARDA; OSTEOGENESIS IMPERFECTA WITH BLUE SCLERAE; Osteogenesis imperfecta type 1; Lobstein's Disease; Lobstein disease. Identifiers: Orphanet 216796, Orphanet 666, MedGen C0023931, MONDO:0008146, OMIM 166200. Disease mechanism: loss of function.

Submission:

Labcorp Genetics (formerly Invitae), Labcorp
Classification: Uncertain significance for Osteogenesis imperfecta type I. Last evaluated: 2017-06-19. Review status: criteria provided, single submitter. Criteria: Invitae Variant Classification Sherloc (09022015). Collection method: clinical testing. Allele origin: germline.
Comment: This sequence change replaces aspartic acid with glutamic acid at codon 76 of the COL1A1 protein (p.Asp76Glu). The aspartic acid residue is weakly conserved and there is a small physicochemical difference between aspartic acid and glutamic acid. This variant is not present in population databases (ExAC no frequency). This variant has not been reported in the literature in individuals with a COL1A1-related disease. Algorithms developed to predict the effect of missense changes on protein structure and function output the following: SIFT: "Tolerated"; Align-GVGD: "Class C0". The glutamic acid amino acid residue is found in multiple mammalian species, suggesting that this missense change does not adversely affect protein function. These predictions have not been confirmed by published functional studies and their clinical significance is uncertain. In summary, this variant has uncertain impact on COL1A1 function. The available evidence is currently insufficient to determine its role in disease. Therefore, it has been classified as a Variant of Uncertain Significance.